The following is an entry in ClinVar:

NM_005228.5(EGFR):c.2073T>C (p.Pro691=)

Gene: EGFR (epidermal growth factor receptor; plus strand). Cytogenetic location: 7p11.2.
Variant type: single nucleotide variant.
Coding change: c.2073T>C on transcript NM_005228.5 (MANE Select); coding-DNA position 2073, T replaced by C.
Protein change: p.Pro691=; no amino-acid change (proline 691 retained).
Molecular consequence: synonymous variant.
Genome position (GRCh38, 1-based): chr7:55,173,932, T>C. VCF-style: chr7-55173932-T-C. GRCh37 (hg19) VCF-style: chr7-55241625-T-C.
Other names: c.1938T>C, p.Pro646= (NM_001346897.2, NM_001346899.2); c.2073T>C, p.Pro691= (NM_001346898.2); c.1914T>C, p.Pro638= (NM_001346900.2); c.1272T>C, p.Pro424= (NM_001346941.2).
Identifiers: ClinVar variation 1970491 (VCV001970491.6), dbSNP rs2128953508, ClinGen allele CA454979109.
Genomic context (GRCh38, chr7:55,173,932, plus strand): 5'-ATGGTGAGGGCTGAGGTGACCCTTGTCTCTGTGTTCTTGTCCCCCCCAGCTTGTGGAGCC[T>C]CTTACACCCAGTGGAGAAGCTCCCAACCAAGCTCTCTTGAGGATCTTGAAGGAAACTGAA-3'
Protein context (NP_005219.2, residues 681-701): RLLQERELVE[Pro691=]LTPSGEAPNQ

ClinVar aggregate classification (germline): Benign/Likely benign. Review status: criteria provided, multiple submitters, no conflicts (2 of 4 stars). 2 submissions from 2 submitters: Benign (1); Likely benign (1). Last evaluated 2024-10-16.

Conditions:
Lung cancer. Also called: Malignant tumor of lung; Lung cancer, somatic. Identifiers: MedGen C0242379, MONDO:0008903, OMIM 211980.
EGFR-related lung cancer (EGFR). Identifiers: MedGen CN130014.

Submissions (2):

Myriad Genetics, Inc.
Classification: Benign for Lung cancer. Last evaluated: 2024-10-16. Review status: criteria provided, single submitter. Criteria: Myriad Autosomal Dominant, Autosomal Recessive and X-Linked Classification Criteria (2023). Collection method: clinical testing. Allele origin: unknown.
Comment: This variant is considered benign. This variant is a silent/synonymous amino acid change and it is not expected to impact splicing.

Labcorp Genetics (formerly Invitae), Labcorp
Classification: Likely benign for EGFR-related lung cancer. Last evaluated: 2022-10-02. Review status: criteria provided, single submitter. Criteria: Invitae Variant Classification Sherloc (09022015). Collection method: clinical testing. Allele origin: germline.